The following is an entry in ClinVar:

NM_003072.5(SMARCA4):c.44G>A (p.Gly15Asp)

Gene: SMARCA4 (SWI/SNF related BAF chromatin remodeling complex subunit ATPase 4; plus strand). Cytogenetic location: 19p13.2.
Variant type: single nucleotide variant.
Coding change: c.44G>A on transcript NM_003072.5 (MANE Select); coding-DNA position 44, G replaced by A.
Protein change: p.Gly15Asp; replaces glycine 15 with aspartic acid.
Molecular consequence: missense variant. On other transcripts: non-coding transcript variant (1).
Genome position (GRCh38, 1-based): chr19:10,984,195, G>A. VCF-style: chr19-10984195-G-A. GRCh37 (hg19) VCF-style: chr19-11094871-G-A.
Other names: c.44G>A, p.Gly15Asp (NM_001128844.3, NM_001128845.2, NM_001128846.2 and 6 more transcripts); short protein forms G15D.
Identifiers: ClinVar variation 1741038 (VCV001741038.8), dbSNP rs1060502077, ClinGen allele CA404053970.

ClinVar aggregate classification (germline): Uncertain significance. Review status: criteria provided, multiple submitters, no conflicts (2 of 4 stars). 2 submissions from 2 submitters: Uncertain significance (2). Last evaluated 2024-04-29.

Conditions:
Hereditary cancer-predisposing syndrome. Also called: Hereditary Cancer Syndrome; Hereditary neoplastic syndrome; Neoplastic Syndromes, Hereditary; Tumor predisposition. Identifiers: Orphanet 140162, MedGen C0027672, MeSH D009386, MONDO:0015356.
Rhabdoid tumor predisposition syndrome 2 (RTPS2). Identifiers: Orphanet 231108, Orphanet 69077, MedGen C2750074, MONDO:0013224, OMIM 613325.

Submissions (2):

Ambry Genetics
Classification: Uncertain significance for Hereditary cancer-predisposing syndrome. Last evaluated: 2024-04-29. Review status: criteria provided, single submitter. Criteria: Ambry Variant Classification Scheme 2023. Collection method: clinical testing. Allele origin: germline.
Comment: The p.G15D variant (also known as c.44G>A), located in coding exon 1 of the SMARCA4 gene, results from a G to A substitution at nucleotide position 44. The glycine at codon 15 is replaced by aspartic acid, an amino acid with similar properties. This amino acid position is highly conserved in available vertebrate species. In addition, the in silico prediction for this alteration is inconclusive. Based on the available evidence, the clinical significance of this variant remains unclear.

Labcorp Genetics (formerly Invitae), Labcorp
Classification: Uncertain significance for Rhabdoid tumor predisposition syndrome 2. Last evaluated: 2022-04-30. Review status: criteria provided, single submitter. Criteria: Invitae Variant Classification Sherloc (09022015). Collection method: clinical testing. Allele origin: germline.
Comment: In summary, the available evidence is currently insufficient to determine the role of this variant in disease. Therefore, it has been classified as a Variant of Uncertain Significance. Algorithms developed to predict the effect of missense changes on protein structure and function are either unavailable or do not agree on the potential impact of this missense change (SIFT: "Deleterious"; PolyPhen-2: "Not Available"; Align-GVGD: "Class C15"). This variant has not been reported in the literature in individuals affected with SMARCA4-related conditions. This variant is not present in population databases (gnomAD no frequency). This sequence change replaces glycine, which is neutral and non-polar, with aspartic acid, which is acidic and polar, at codon 15 of the SMARCA4 protein (p.Gly15Asp).